The following is an entry in ClinVar:

ClinVar aggregate classification (germline): Uncertain significance. Review status: criteria provided, multiple submitters, no conflicts (2 of 4 stars). 2 submissions from 2 submitters: Uncertain significance (2). Last evaluated 2024-01-29.

Conditions:
Inborn genetic diseases. Identifiers: MedGen C0950123, MeSH D030342.

Allele frequency attached by ClinVar (database versions not stated): TOPMed 0.00001.
gnomAD v4.1: 2 of 1,614,024 alleles (0.00012%); highest among the groups gnomAD compares: Admixed American, 0.0033%; no homozygotes.

Submissions (2):

Labcorp Genetics (formerly Invitae), Labcorp
Classification: Uncertain significance. Last evaluated: 2024-01-29. Review status: criteria provided, single submitter. Criteria: Invitae Variant Classification Sherloc (09022015). Collection method: clinical testing. Allele origin: germline.
Comment: This sequence change replaces alanine, which is neutral and non-polar, with threonine, which is neutral and polar, at codon 2783 of the VCAN protein (p.Ala2783Thr). This variant is not present in population databases (gnomAD no frequency). This variant has not been reported in the literature in individuals affected with VCAN-related conditions. ClinVar contains an entry for this variant (Variation ID: 1933567). An algorithm developed to predict the effect of missense changes on protein structure and function (PolyPhen-2) suggests that this variant is likely to be tolerated. In summary, the available evidence is currently insufficient to determine the role of this variant in disease. Therefore, it has been classified as a Variant of Uncertain Significance.

Ambry Genetics
Classification: Uncertain significance for Inborn genetic diseases. Last evaluated: 2022-08-30. Review status: criteria provided, single submitter. Criteria: Ambry Variant Classification Scheme 2023. Collection method: clinical testing. Allele origin: germline.

NM_004385.5(VCAN):c.8347G>A (p.Ala2783Thr)

Genes: VCAN (versican; plus strand), VCAN-AS1 (VCAN antisense RNA 1; minus strand). Cytogenetic location: 5q14.3.
Variant type: single nucleotide variant.
Coding change: c.8347G>A on transcript NM_004385.5 (MANE Select); coding-DNA position 8347, G replaced by A.
Protein change: p.Ala2783Thr; replaces alanine 2783 with threonine.
Molecular consequence: missense variant. On other transcripts: intron variant (2).
Genome position (GRCh38, 1-based): chr5:83,541,350, G>A. VCF-style: chr5-83541350-G-A. GRCh37 (hg19) VCF-style: chr5-82837169-G-A.
Other names: c.5386G>A, p.Ala1796Thr (NM_001164097.2); c.4004-4187G>A (NM_001164098.2); c.1043-4187G>A (NM_001126336.3); short protein forms A1796T, A2783T.
Identifiers: ClinVar variation 1933567 (VCV001933567.6), dbSNP rs774626898, ClinGen allele CA360316723.